The following is an entry in ClinVar:

ClinVar aggregate classification (germline): Uncertain significance (1 of 4 stars; one submission).

Conditions:
Amyotrophic lateral sclerosis type 4 (ALS4). Also called: NEURONOPATHY, DISTAL HEREDITARY MOTOR, WITH PYRAMIDAL FEATURES; AMYOTROPHIC LATERAL SCLEROSIS 4, JUVENILE. Identifiers: Orphanet 357043, MedGen C1865409, MONDO:0011223, OMIM 602433.

gnomAD v4.1: 2 of 1,614,250 alleles (0.00012%); highest among the groups gnomAD compares: East Asian, 0.0045%; no homozygotes.

Submission:

Neuberg Centre For Genomic Medicine, NCGM
Classification: Uncertain significance for Amyotrophic lateral sclerosis type 4. Review status: criteria provided, single submitter. Criteria: ACMG Guidelines, 2015. Collection method: clinical testing. Allele origin: germline. Inheritance: Autosomal dominant inheritance. Affected: yes.
Comment: The observed missense c.3847A>G(p.Thr1283Ala) variant in SETX gene has not been reported previously as a pathogenic variant nor as a benign variant, to our knowledge. The p.Thr1283Ala variant is absent in gnomAD Exomes database. This variant has not been submitted to the ClinVar database. Computational evidence (Polyphen - Possibly damaging, SIFT - Damaging and MutationTaster -Polymorphism) predicts conflicting evidence on protein structure and function for this variant. The reference amino acid in SETX is predicted as conserved by GERP++ and PhyloP across 100 vertebrates. The amino acid Thr at position 1283 is changed to a Ala changing protein sequence and it might alter its composition and physico-chemical properties. For these reasons, this variant has been classified as Uncertain Significance (VUS).

NM_015046.7(SETX):c.3847A>G (p.Thr1283Ala)

Gene: SETX (senataxin; minus strand). Cytogenetic location: 9q34.13.
Variant type: single nucleotide variant.
Coding change: c.3847A>G on transcript NM_015046.7 (MANE Select); coding-DNA position 3847, A replaced by G.
Protein change: p.Thr1283Ala; replaces threonine 1283 with alanine.
Molecular consequence: missense variant.
Genome position (GRCh38, 1-based): chr9:132,327,751, T>C on the plus strand (A>G on the coding strand, the complement: SETX is on the minus strand). VCF-style: chr9-132327751-T-C. GRCh37 (hg19) VCF-style: chr9-135203138-T-C.
Other names: c.3847A>G, p.Thr1283Ala (NM_001351527.2, NM_001351528.2); short protein forms T1283A.
Identifiers: ClinVar variation 3377620 (VCV003377620.1).